The following is an entry in ClinVar:

ClinVar aggregate classification (germline): Pathogenic (1 of 4 stars; one submission).

Conditions:
Glycogen storage disease, type V (GSD5). Also called: MCARDLE DISEASE; MUSCLE GLYCOGEN PHOSPHORYLASE DEFICIENCY; MYOPHOSPHORYLASE DEFICIENCY; PYGM DEFICIENCY; McArdle type glycogen storage disease. Identifiers: Orphanet 368, MedGen C0017924, MONDO:0009293, OMIM 232600.

Submission:

Myriad Genetics, Inc.
Classification: Pathogenic for Glycogen storage disease, type V. Last evaluated: 2024-05-14. Review status: criteria provided, single submitter. Criteria: Myriad Autosomal Dominant, Autosomal Recessive and X-Linked Classification Criteria (2023). Collection method: clinical testing. Allele origin: unknown.
Comment: NM_005609.2(PYGM):c.1523_1526del4ins21(I508Nfs*37) is expected to be pathogenic in the context of glycogen storage disease, PYGM-related. This variant is predicted to lead to an abnormal or absent protein product due to the creation of a premature termination codon in PYGM, a gene where loss-of-function variants are known to be pathogenic. Please note: this variant was assessed in the context of healthy population screening.

NM_005609.4(PYGM):c.1523_1526delinsACAGACAGGGGAGCTCGCTAT (p.Ile508fs)

Gene: PYGM (glycogen phosphorylase, muscle associated; minus strand). Cytogenetic location: 11q13.1.
Variant type: Indel.
Coding change: c.1523_1526delinsACAGACAGGGGAGCTCGCTAT on transcript NM_005609.4 (MANE Select); coding-DNA positions 1523 to 1526, TCGG replaced by ACAGACAGGGGAGCTCGCTAT.
Protein change: p.Ile508fs; shifts the reading frame from isoleucine 508.
Molecular consequence: frameshift variant.
Genome position (GRCh38, 1-based): chr11:64,752,497-64,752,500, CCGA replaced by ATAGCGAGCTCCCCTGTCTGT on the plus strand (TCGG replaced by ACAGACAGGGGAGCTCGCTAT on the coding strand, the reverse complement: PYGM is on the minus strand). VCF-style: chr11-64752497-CCGA-ATAGCGAGCTCCCCTGTCTGT. GRCh37 (hg19) VCF-style: chr11-64519969-CCGA-ATAGCGAGCTCCCCTGTCTGT.
Other names: c.1259_1262delinsACAGACAGGGGAGCTCGCTAT, p.Ile420fs (NM_001164716.1); short protein forms I420fs, I508fs.
Identifiers: ClinVar variation 5010619 (VCV005010619.1).